The following is an entry in ClinVar:

ClinVar aggregate classification (germline): Uncertain significance. Review status: criteria provided, multiple submitters, no conflicts (2 of 4 stars). 2 submissions from 2 submitters: Uncertain significance (2). Last evaluated 2025-06-07.

Conditions:
Inborn genetic diseases. Identifiers: MedGen C0950123, MeSH D030342.
Charcot-Marie-Tooth disease, type I (CMT1). Also called: Charcot-Marie-Tooth, Type 1; Charcot-Marie-Tooth disease type 1. Identifiers: Orphanet 65753, MedGen C0751036, MONDO:0019011.

Allele frequency attached by ClinVar (database versions not stated): ExAC 0.00001; gnomAD 0.00001; gnomAD exomes 0.00001; TOPMed 0.00001.
gnomAD v4.1: 4 of 1,614,088 alleles (0.00025%); highest among the groups gnomAD compares: Admixed American, 0.0067%; no homozygotes.

Submissions (2):

Ambry Genetics
Classification: Uncertain significance for Inborn genetic diseases. Last evaluated: 2025-06-07. Review status: criteria provided, single submitter. Criteria: Ambry Variant Classification Scheme 2023. Collection method: clinical testing. Allele origin: germline.

Labcorp Genetics (formerly Invitae), Labcorp
Classification: Uncertain significance for Charcot-Marie-Tooth disease, type I. Last evaluated: 2022-10-13. Review status: criteria provided, single submitter. Criteria: Invitae Variant Classification Sherloc (09022015). Collection method: clinical testing. Allele origin: germline.
Comment: ClinVar contains an entry for this variant (Variation ID: 658930). This variant has not been reported in the literature in individuals affected with EGR2-related conditions. This variant is present in population databases (rs749421476, gnomAD 0.01%). This sequence change replaces proline, which is neutral and non-polar, with threonine, which is neutral and polar, at codon 209 of the EGR2 protein (p.Pro209Thr). Advanced modeling of protein sequence and biophysical properties (such as structural, functional, and spatial information, amino acid conservation, physicochemical variation, residue mobility, and thermodynamic stability) performed at Invitae indicates that this missense variant is not expected to disrupt EGR2 protein function. In summary, the available evidence is currently insufficient to determine the role of this variant in disease. Therefore, it has been classified as a Variant of Uncertain Significance.

NM_000399.5(EGR2):c.625C>A (p.Pro209Thr)

Gene: EGR2 (early growth response 2; minus strand). Cytogenetic location: 10q21.3.
Variant type: single nucleotide variant.
Coding change: c.625C>A on transcript NM_000399.5 (MANE Select); coding-DNA position 625, C replaced by A.
Protein change: p.Pro209Thr; replaces proline 209 with threonine.
Molecular consequence: missense variant.
Genome position (GRCh38, 1-based): chr10:62,814,013, G>T on the plus strand (C>A on the coding strand, the complement: EGR2 is on the minus strand). VCF-style: chr10-62814013-G-T. GRCh37 (hg19) VCF-style: chr10-64573773-G-T.
Other names: c.625C>A, p.Pro209Thr (NM_001136177.3, NM_001136178.2); c.475C>A, p.Pro159Thr (NM_001136179.3, NM_001321037.2); short protein forms P159T, P209T.
Identifiers: ClinVar variation 658930 (VCV000658930.9), dbSNP rs749421476, ClinGen allele CA5517253.